The following is an entry in ClinVar:

NM_025137.4(SPG11):c.2834+1G>A

Gene: SPG11 (SPG11 vesicle trafficking associated, spatacsin; minus strand). Cytogenetic location: 15q21.1.
Variant type: single nucleotide variant.
Coding change: c.2834+1G>A on transcript NM_025137.4 (MANE Select); the canonical splice donor site of the intron after coding-DNA position 2834, G replaced by A.
Molecular consequence: splice donor variant.
Genome position (GRCh38, 1-based): chr15:44,620,189, C>T on the plus strand (G>A on the coding strand, the complement: SPG11 is on the minus strand). VCF-style: chr15-44620189-C-T. GRCh37 (hg19) VCF-style: chr15-44912387-C-T.
Other names: c.2834+1G>A (NM_001411132.1, NM_001160227.2).
Identifiers: ClinVar variation 2711520 (VCV002711520.3), dbSNP rs312262749, ClinGen allele CA392230498.

ClinVar aggregate classification (germline): Pathogenic (1 of 4 stars; one submission).

Conditions:
Hereditary spastic paraplegia 11. Also called: Nakamura Osame syndrome; Autosomal recessive hereditary spastic paraplegia, mental impairment, and thin corpus callosum; SPASTIC PARAPLEGIA, AUTOSOMAL RECESSIVE, COMPLICATED, WITH THIN CORPUS CALLOSUM; SPASTIC PARAPLEGIA, AUTOSOMAL RECESSIVE, WITH MENTAL IMPAIRMENT AND THIN CORPUS CALLOSUM; Spastic Paraplegia 11; Spastic paraplegia, mental retardation and thin corpus callosum. Identifiers: Orphanet 2822, MedGen C1858479, MONDO:0011445, OMIM 604360.

Submission:

Labcorp Genetics (formerly Invitae), Labcorp
Classification: Pathogenic for Hereditary spastic paraplegia 11. Last evaluated: 2024-02-15. Review status: criteria provided, single submitter. Criteria: Invitae Variant Classification Sherloc (09022015). Collection method: clinical testing. Allele origin: germline.
Comment: This sequence change affects a donor splice site in intron 15 of the SPG11 gene. It is expected to disrupt RNA splicing. Variants that disrupt the donor or acceptor splice site typically lead to a loss of protein function (PMID: 16199547), and loss-of-function variants in SPG11 are known to be pathogenic (PMID: 19105190, 20110243, 22154821, 26556829). This variant is not present in population databases (gnomAD no frequency). Disruption of this splice site has been observed in individual(s) with hereditary spastic paraplegia (PMID: 18717728; Invitae). In at least one individual the data is consistent with being in trans (on the opposite chromosome) from a pathogenic variant. Algorithms developed to predict the effect of sequence changes on RNA splicing suggest that this variant may disrupt the consensus splice site. For these reasons, this variant has been classified as Pathogenic.

Literature cited by the submitters: PubMed 16199547; PubMed 19105190; PubMed 20110243; PubMed 22154821; PubMed 26556829; PubMed 18717728.